The following is an entry in ClinVar:

ClinVar aggregate classification (germline): Uncertain significance. Review status: criteria provided, multiple submitters, no conflicts (2 of 4 stars). 4 submissions from 4 submitters: Uncertain significance (4). Last evaluated 2025-09-03.

Conditions:
Intellectual disability. Also called: Intellectual functioning disability; Intellectual developmental disorder; intellectual disabilities. Identifiers: MedGen C3714756, MeSH D008607, MONDO:0001071, HP:0001249.
Myopia. Also called: Myopia (disease). Identifiers: MedGen C0027092, MONDO:0001384, HP:0000545.
Lens luxation. Identifiers: MedGen C0023309, HP:0012019.
Hereditary cancer-predisposing syndrome. Also called: Hereditary Cancer Syndrome; Tumor predisposition; Hereditary neoplastic syndrome; Neoplastic Syndromes, Hereditary. Identifiers: Orphanet 140162, MedGen C0027672, MeSH D009386, MONDO:0015356.
Gorlin syndrome. Also called: Basal cell nevus syndrome; Nevoid Basal Cell Carcinoma Syndrome. Identifiers: Orphanet 377, MedGen C0004779, MONDO:0007187.

Allele frequency attached by ClinVar (database versions not stated): gnomAD exomes 0.00001 and below 0.00001; ExAC 0.00001.
gnomAD v4.1: 9 of 1,614,178 alleles (0.00056%); highest among the groups gnomAD compares: East Asian, 0.0022%; no homozygotes.

Submissions (4):

Labcorp Genetics (formerly Invitae), Labcorp
Classification: Uncertain significance for Gorlin syndrome. Last evaluated: 2025-09-03. Review status: criteria provided, single submitter. Criteria: Invitae Variant Classification Sherloc (09022015). Collection method: clinical testing. Allele origin: germline.
Comment: This sequence change replaces threonine, which is neutral and polar, with methionine, which is neutral and non-polar, at codon 425 of the PTCH1 protein (p.Thr425Met). This variant is present in population databases (rs768956985, gnomAD 0.003%). This variant has not been reported in the literature in individuals affected with PTCH1-related conditions. ClinVar contains an entry for this variant (Variation ID: 216369). Invitae Evidence Modeling of protein sequence and biophysical properties (such as structural, functional, and spatial information, amino acid conservation, physicochemical variation, residue mobility, and thermodynamic stability) has been performed for this missense variant. However, the output from this modeling did not meet the statistical confidence thresholds required to predict the impact of this variant on PTCH1 protein function. In summary, the available evidence is currently insufficient to determine the role of this variant in disease. Therefore, it has been classified as a Variant of Uncertain Significance.

Ambry Genetics
Classification: Uncertain significance for Hereditary cancer-predisposing syndrome. Last evaluated: 2025-04-01. Review status: criteria provided, single submitter. Criteria: Ambry Variant Classification Scheme 2023. Collection method: clinical testing. Allele origin: germline.
Comment: The p.T425M variant (also known as c.1274C>T), located in coding exon 9 of the PTCH1 gene, results from a C to T substitution at nucleotide position 1274. The threonine at codon 425 is replaced by methionine, an amino acid with similar properties. This amino acid position is highly conserved in available vertebrate species. In addition, this alteration is predicted to be deleterious by in silico analysis. Based on the available evidence, the clinical significance of this variant remains unclear.

Quest Diagnostics Nichols Institute San Juan Capistrano
Classification: Uncertain significance. Last evaluated: 2023-12-29. Review status: criteria provided, single submitter. Criteria: Quest Diagnostics criteria. Collection method: clinical testing. Allele origin: unknown.
Comment: The PTCH1 c.1274C>T (p.Thr425Met) variant has not been reported in individuals with PTCH1-related conditions in the published literature. The frequency of this variant in the general population, 0.000008 (2/251480 chromosomes (Genome Aggregation Database)), is uninformative in the assessment of its pathogenicity. Analysis of this variant using bioinformatics tools for the prediction of the effect of amino acid changes on protein structure and function yielded predictions that this variant is damaging. Based on the available information, we are unable to determine the clinical significance of this variant.

Laboratorio de Genetica e Diagnostico Molecular, Hospital Israelita Albert Einstein
Classification: Uncertain significance for Intellectual disability; Lens luxation; Myopia. Last evaluated: 2021-09-27. Review status: criteria provided, single submitter. Criteria: ACMG Guidelines, 2015. Collection method: clinical testing. Allele origin: germline. Affected: yes.
Comment: ACMG classification criteria: PM2 moderate, PP3 supporting

NM_000264.5(PTCH1):c.1274C>T (p.Thr425Met)

Gene: PTCH1 (patched 1; minus strand). Cytogenetic location: 9q22.32.
Variant type: single nucleotide variant.
Coding change: c.1274C>T on transcript NM_000264.5 (MANE Select); coding-DNA position 1274, C replaced by T.
Protein change: p.Thr425Met; replaces threonine 425 with methionine.
Molecular consequence: missense variant. On other transcripts: non-coding transcript variant (1).
Genome position (GRCh38, 1-based): chr9:95,478,128, G>A on the plus strand (C>T on the coding strand, the complement: PTCH1 is on the minus strand). VCF-style: chr9-95478128-G-A. GRCh37 (hg19) VCF-style: chr9-98240410-G-A.
Other names: c.1076C>T, p.Thr359Met (NM_001083602.3); c.1271C>T, p.Thr424Met (NM_001083603.3); c.821C>T, p.Thr274Met (NM_001083604.3, NM_001083605.3, NM_001083606.3 and 1 more transcripts); c.1274C>T, p.Thr425Met (NM_001354918.2); c.1274C>T (NM_000264.4); short protein forms T359M, T425M, T274M, T424M.
Identifiers: ClinVar variation 216369 (VCV000216369.13), dbSNP rs768956985, ClinGen allele CA337851.